The following is an entry in ClinVar:

ClinVar aggregate classification (germline): Uncertain significance. Review status: criteria provided, multiple submitters, no conflicts (2 of 4 stars). 3 submissions from 3 submitters: Uncertain significance (3). Last evaluated 2025-03-31.

Conditions:
Arrhythmogenic right ventricular cardiomyopathy (ARVD). Also called: Cardiomyopathy, ARVC; Arrhythmogenic cardiomyopathy; Arrhythmogenic Right Ventricular Cardiomyopathy (ARVC); Arrhythmogenic right ventricular dysplasia. Identifiers: Orphanet 247, MedGen C0349788, MeSH D019571, MONDO:0016587. Disease mechanism: loss of function. Inheritance: Various modes of inheritance.
Cardiomyopathy (CMYO). Also called: Cardiomyopathies. Identifiers: Orphanet 167848, MedGen C0878544, MONDO:0004994, HP:0001638. Inheritance: Various modes of inheritance.
Arrhythmogenic right ventricular dysplasia 10. Also called: ARRHYTHMOGENIC RIGHT VENTRICULAR DYSPLASIA, FAMILIAL, 10; Arrhythmogenic Right Ventricular Dysplasia/Cardiomyopathy10; Arrhythmogenic right ventricular dysplasia/cardiomyopathy, type 10. Identifiers: MedGen C1857777, MONDO:0012434, OMIM 610193.

Allele frequency attached by ClinVar (database versions not stated): gnomAD exomes below 0.00001; gnomAD 0.00001; TOPMed 0.00001.
gnomAD v4.1: 8 of 1,614,078 alleles (0.0005%); highest among the groups gnomAD compares: East Asian, 0.0022%; no homozygotes.

Submissions (3):

Color Diagnostics, LLC DBA Color Health
Classification: Uncertain significance for Cardiomyopathy. Last evaluated: 2025-03-31. Review status: criteria provided, single submitter. Criteria: ACMG Guidelines, 2015. Collection method: clinical testing. Allele origin: germline.
Comment: This missense variant replaces histidine with tyrosine at codon 43 of the DSG2 protein. Computational prediction suggests that this variant may not impact protein structure and function (internally defined REVEL score threshold <= 0.5, PMID: 27666373). To our knowledge, functional studies have not been reported for this variant. This variant has not been reported in individuals affected with cardiovascular disorders in the literature. This variant has not been identified in the general population by the Genome Aggregation Database (gnomAD). The available evidence is insufficient to determine the role of this variant in disease conclusively. Therefore, this variant is classified as a Variant of Uncertain Significance.

All of Us Research Program, National Institutes of Health
Classification: Uncertain significance for Arrhythmogenic right ventricular cardiomyopathy. Last evaluated: 2023-05-31. Review status: criteria provided, single submitter. Criteria: ACMG Guidelines, 2015. Collection method: clinical testing. Allele origin: germline. Inheritance: Autosomal dominant inheritance. Observed: 1 variant allele, 1 heterozygote.
Comment: This missense variant replaces histidine with tyrosine at codon 43 of the DSG2 protein. Computational prediction suggests that this variant may not impact protein structure and function (internally defined REVEL score threshold <= 0.5, PMID: 27666373). To our knowledge, functional studies have not been reported for this variant. This variant has not been reported in individuals affected with cardiovascular disorders in the literature. This variant has not been identified in the general population by the Genome Aggregation Database (gnomAD). The available evidence is insufficient to determine the role of this variant in disease conclusively. Therefore, this variant is classified as a Variant of Uncertain Significance.

This study involves interpretation of variants in research participants for the purpose of population health screening. Participant phenotype was not available at the time of variant classification. Additional details can be found in publication PMID: 35346344, PMCID: PMC8962531

Labcorp Genetics (formerly Invitae), Labcorp
Classification: Uncertain significance for Arrhythmogenic right ventricular dysplasia 10. Last evaluated: 2023-04-08. Review status: criteria provided, single submitter. Criteria: Invitae Variant Classification Sherloc (09022015). Collection method: clinical testing. Allele origin: germline.
Comment: This sequence change replaces histidine, which is basic and polar, with tyrosine, which is neutral and polar, at codon 43 of the DSG2 protein (p.His43Tyr). In summary, the available evidence is currently insufficient to determine the role of this variant in disease. Therefore, it has been classified as a Variant of Uncertain Significance. Advanced modeling of protein sequence and biophysical properties (such as structural, functional, and spatial information, amino acid conservation, physicochemical variation, residue mobility, and thermodynamic stability) performed at Invitae indicates that this missense variant is not expected to disrupt DSG2 protein function. ClinVar contains an entry for this variant (Variation ID: 2048782). This variant has not been reported in the literature in individuals affected with DSG2-related conditions. This variant is not present in population databases (gnomAD no frequency).

NM_001943.5(DSG2):c.127C>T (p.His43Tyr)

Gene: DSG2 (desmoglein 2; plus strand). Cytogenetic location: 18q12.1.
Variant type: single nucleotide variant.
Coding change: c.127C>T on transcript NM_001943.5 (MANE Select); coding-DNA position 127, C replaced by T.
Protein change: p.His43Tyr; replaces histidine 43 with tyrosine.
Molecular consequence: missense variant.
Genome position (GRCh38, 1-based): chr18:31,519,848, C>T. VCF-style: chr18-31519848-C-T. GRCh37 (hg19) VCF-style: chr18-29099811-C-T.
Other names: short protein forms H43Y.
Identifiers: ClinVar variation 2048782 (VCV002048782.6), dbSNP rs1487047301, ClinGen allele CA402130721.